The following is an entry in ClinVar:

NM_007294.4(BRCA1):c.1123C>T (p.Leu375=)

Gene: BRCA1 (BRCA1 DNA repair associated; minus strand). Cytogenetic location: 17q21.31.
Variant type: single nucleotide variant.
Coding change: c.1123C>T on transcript NM_007294.4 (MANE Select); coding-DNA position 1123, C replaced by T.
Protein change: p.Leu375=; no amino-acid change (leucine 375 retained).
Molecular consequence: synonymous variant. On other transcripts: intron variant (137).
Genome position (GRCh38, 1-based): chr17:43,094,408, G>A on the plus strand (C>T on the coding strand, the complement: BRCA1 is on the minus strand). VCF-style: chr17-43094408-G-A. GRCh37 (hg19) VCF-style: chr17-41246425-G-A.
Other names: c.997C>T, p.Leu333= (NM_001407940.1, NM_001407941.1, NM_001407649.1 and 11 more transcripts); c.982C>T, p.Leu328= (NM_001407942.1, NM_001407944.1, NM_001407945.1 and 29 more transcripts); c.979C>T, p.Leu327= (NM_001407943.1, NM_001407964.1, NM_001407740.1 and 20 more transcripts); c.790C>T, p.Leu264= (NM_001407946.1, NM_001407947.1, NM_001407948.1 and 6 more transcripts); c.787C>T, p.Leu263= (NM_001407954.1, NM_001407955.1, NM_001407956.1 and 1 more transcripts); c.742C>T, p.Leu248= (NM_001407959.1, NM_001407960.1, NM_001407963.1); c.739C>T, p.Leu247= (NM_001407962.1); c.619C>T, p.Leu207= (NM_001407965.1); and 40 more.
Identifiers: ClinVar variation 427273 (VCV000427273.4), dbSNP rs1131692084, ClinGen allele CA500233977.

ClinVar aggregate classification (germline): Likely benign (3 of 4 stars; one submission).

Conditions:
Breast-ovarian cancer, familial, susceptibility to, 1 (BROVCA1). Also called: BRCA1 Hereditary Breast and Ovarian Cancer; OVARIAN CANCER, SUSCEPTIBILITY TO. Identifiers: Orphanet 145, MedGen C2676676, MONDO:0011450, OMIM 604370. Disease mechanism: loss of function.

Submission:

Evidence-based Network for the Interpretation of Germline Mutant Alleles (ENIGMA)
Classification: Likely benign for Breast-ovarian cancer, familial, susceptibility to, 1. Last evaluated: 2017-06-29. Review status: reviewed by expert panel. Criteria: ENIGMA BRCA1/2 Classification Criteria (2017-06-29). Collection method: curation. Allele origin: germline.
Comment: Synonymous substitution variant, with low bioinformatic likelihood to result in a splicing aberration (Splicing prior probability 0.02).